The following is an entry in ClinVar:

NM_004260.4(RECQL4):c.3032A>G (p.Gln1011Arg)

Gene: RECQL4 (RecQ like helicase 4; minus strand). Cytogenetic location: 8q24.3.
Variant type: single nucleotide variant.
Coding change: c.3032A>G on transcript NM_004260.4 (MANE Select); coding-DNA position 3032, A replaced by G.
Protein change: p.Gln1011Arg; replaces glutamine 1011 with arginine.
Molecular consequence: missense variant.
Genome position (GRCh38, 1-based): chr8:144,512,415, T>C on the plus strand (A>G on the coding strand, the complement: RECQL4 is on the minus strand). VCF-style: chr8-144512415-T-C. GRCh37 (hg19) VCF-style: chr8-145737798-T-C.
Other names: short protein forms Q1011R.
Identifiers: ClinVar variation 529001 (VCV000529001.4), dbSNP rs765732606, ClinGen allele CA4947968.

ClinVar aggregate classification (germline): Uncertain significance (1 of 4 stars; one submission).

Conditions:
Baller-Gerold syndrome (BGS). Also called: CRANIOSYNOSTOSIS WITH RADIAL DEFECTS. Identifiers: Orphanet 1225, MedGen C0265308, MONDO:0009039, OMIM 218600.

Allele frequency attached by ClinVar (database versions not stated): gnomAD exomes below 0.00001 and 0.00001; ExAC 0.00001; TOPMed 0.00001.
gnomAD v4.1: 1 of 1,607,906 alleles (0.000062%); highest among the groups gnomAD compares: East Asian, 0.0022%; no homozygotes.

Submission:

Labcorp Genetics (formerly Invitae), Labcorp
Classification: Uncertain significance for Baller-Gerold syndrome. Last evaluated: 2024-10-07. Review status: criteria provided, single submitter. Criteria: Invitae Variant Classification Sherloc (09022015). Collection method: clinical testing. Allele origin: germline.
Comment: This sequence change replaces glutamine, which is neutral and polar, with arginine, which is basic and polar, at codon 1011 of the RECQL4 protein (p.Gln1011Arg). This variant is present in population databases (rs765732606, gnomAD 0.01%). This variant has not been reported in the literature in individuals affected with RECQL4-related conditions. ClinVar contains an entry for this variant (Variation ID: 529001). Invitae Evidence Modeling of protein sequence and biophysical properties (such as structural, functional, and spatial information, amino acid conservation, physicochemical variation, residue mobility, and thermodynamic stability) indicates that this missense variant is not expected to disrupt RECQL4 protein function with a negative predictive value of 80%. In summary, the available evidence is currently insufficient to determine the role of this variant in disease. Therefore, it has been classified as a Variant of Uncertain Significance.